The following is an entry in ClinVar:

NM_005048.4(PTH2R):c.350A>C (p.Lys117Thr)

Gene: PTH2R (parathyroid hormone 2 receptor; plus strand). Cytogenetic location: 2q34.
Variant type: single nucleotide variant.
Coding change: c.350A>C on transcript NM_005048.4 (MANE Select); coding-DNA position 350, A replaced by C.
Protein change: p.Lys117Thr; replaces lysine 117 with threonine.
Molecular consequence: missense variant. On other transcripts: non-coding transcript variant (4).
Genome position (GRCh38, 1-based): chr2:208,437,820, A>C. VCF-style: chr2-208437820-A-C. GRCh37 (hg19) VCF-style: chr2-209302545-A-C.
Other names: c.17A>C, p.Lys6Thr (NM_001309516.2, NM_001371905.1, NM_001371906.1 and 1 more transcripts); short protein forms K117T, K6T.
Identifiers: ClinVar variation 3036558 (VCV003036558.2), dbSNP rs1702106105, ClinGen allele CA350106881.

ClinVar aggregate classification (germline): Uncertain significance (0 of 4 stars; one submission).

Conditions:
PTH2R-related disorder. Also called: PTH2R-related condition.

Submission:

PreventionGenetics, part of Exact Sciences
Classification: Uncertain significance for PTH2R-related condition. Last evaluated: 2023-12-23. Review status: no assertion criteria provided. Collection method: clinical testing. Allele origin: germline.
Comment: The PTH2R c.350A>C variant is predicted to result in the amino acid substitution p.Lys117Thr. To our knowledge, this variant has not been reported in the literature or in a large population database, indicating this variant is rare. At this time, the clinical significance of this variant is uncertain due to the absence of conclusive functional and genetic evidence.